The following is an entry in ClinVar:

ClinVar aggregate classification (germline): Uncertain significance (1 of 4 stars; one submission).

Conditions:
Catecholaminergic polymorphic ventricular tachycardia 1. Also called: VENTRICULAR TACHYCARDIA, CATECHOLAMINERGIC POLYMORPHIC, 1, WITH OR WITHOUT ATRIAL DYSFUNCTION AND/OR DILATED CARDIOMYOPATHY; RYR2-Related Catecholaminergic Polymorphic Ventricular Tachycardia; VENTRICULAR TACHYCARDIA, STRESS-INDUCED POLYMORPHIC 1. Identifiers: Orphanet 3286, MedGen C1631597, MONDO:0011484, OMIM 604772.

Submission:

Labcorp Genetics (formerly Invitae), Labcorp
Classification: Uncertain significance for Catecholaminergic polymorphic ventricular tachycardia 1. Last evaluated: 2025-08-05. Review status: criteria provided, single submitter. Criteria: Invitae Variant Classification Sherloc (09022015). Collection method: clinical testing. Allele origin: germline.
Comment: This sequence change replaces threonine, which is neutral and polar, with valine, which is neutral and non-polar, at codon 66 of the CASQ2 protein (p.Thr66Val). Information on the frequency of this variant in the gnomAD database is not available, as this variant may be reported differently in the database. This variant has not been reported in the literature in individuals affected with CASQ2-related conditions. An algorithm developed to predict the effect of missense changes on protein structure and function (PolyPhen-2) suggests that this variant is likely to be tolerated. In summary, the available evidence is currently insufficient to determine the role of this variant in disease. Therefore, it has been classified as a Variant of Uncertain Significance.

NM_001232.4(CASQ2):c.196_197inv (p.Thr66Val)

Gene: CASQ2 (calsequestrin 2; minus strand). Cytogenetic location: 1p13.1.
Variant type: Inversion.
Coding change: c.196_197inv on transcript NM_001232.4 (MANE Select).
Protein change: p.Thr66Val; replaces threonine 66 with valine.
Molecular consequence: missense variant.
Genome position: GRCh38 VCF-style: chr1-115768345-GT-AC. GRCh37 (hg19) VCF-style: chr1-116310966-GT-AC.
Other names: short protein forms T66V.
Identifiers: ClinVar variation 4737078 (VCV004737078.1).
Genomic context (GRCh38, chr1:115,768,345, plus strand): 5'-CAGCATGCCCTTTGGTTACTTACCTCAAGCACGATTTCTTTCAGTTGGAACTGTTTTTGC[GT>AC]GACCTTATCTGAAGACACCGGCTCATGGTAGTAGAGGCAAAGCAAGTCATATTTCTTTAA-3'
Protein context (NP_001223.2, residues 56-76): YHEPVSSDKV[Thr66Val]QKQFQLKEIV